The following is an entry in ClinVar:

ClinVar aggregate classification (germline): Likely benign. Review status: criteria provided, single submitter (1 of 4 stars). 2 submissions from 2 submitters: Likely benign (1). 1 of the submissions does not count toward it. Last evaluated 2022-08-19.

Conditions:
Cohen syndrome (COH1). Also called: Cutis verticis gyrata, retinitis pigmentosa, and sensorineural deafness; PEPPER SYNDROME. Identifiers: Orphanet 193, MedGen C0265223, MONDO:0008999, OMIM 216550.
VPS13B-related disorder. Also called: VPS13B-related condition.

Allele frequency attached by ClinVar (database versions not stated): gnomAD exomes below 0.00001; gnomAD 0.00002; TOPMed 0.00002.
gnomAD v4.1: 4 of 1,593,922 alleles (0.00025%); highest among the groups gnomAD compares: African/African-American, 0.0054%; no homozygotes.

Submissions (2):

Labcorp Genetics (formerly Invitae), Labcorp
Classification: Likely benign for Cohen syndrome. Last evaluated: 2022-08-19. Review status: criteria provided, single submitter. Criteria: Invitae Variant Classification Sherloc (09022015). Collection method: clinical testing. Allele origin: germline.

PreventionGenetics, part of Exact Sciences
Classification: Likely benign for VPS13B-related condition. Last evaluated: 2022-09-08. Review status: no assertion criteria provided. Collection method: clinical testing. Allele origin: germline. Not counted in ClinVar's aggregate classification.
Comment: This variant is classified as likely benign based on ACMG/AMP sequence variant interpretation guidelines (Richards et al. 2015 PMID: 25741868, with internal and published modifications).

NM_152564.5(VPS13B):c.11049C>T (p.Thr3683=)

Gene: VPS13B (vacuolar protein sorting 13 homolog B; plus strand). Cytogenetic location: 8q22.2.
Variant type: single nucleotide variant.
Coding change: c.11049C>T on transcript NM_152564.5 (MANE Select); coding-DNA position 11049, C replaced by T.
Protein change: p.Thr3683=; no amino-acid change (threonine 3683 retained).
Molecular consequence: synonymous variant.
Genome position (GRCh38, 1-based): chr8:99,861,780, C>T. VCF-style: chr8-99861780-C-T. GRCh37 (hg19) VCF-style: chr8-100874008-C-T.
Other names: c.11124C>T, p.Thr3708= (NM_017890.5); c.11049C>T (NM_152564.4).
Identifiers: ClinVar variation 1150707 (VCV001150707.10), dbSNP rs1474618669, ClinGen allele CA462338024.